The following is an entry in ClinVar:

NM_001042492.3(NF1):c.3589G>A (p.Ala1197Thr)

Gene: NF1 (neurofibromin 1; plus strand). Cytogenetic location: 17q11.2.
Variant type: single nucleotide variant.
Coding change: c.3589G>A on transcript NM_001042492.3 (MANE Select); coding-DNA position 3589, G replaced by A.
Protein change: p.Ala1197Thr; replaces alanine 1197 with threonine.
Molecular consequence: missense variant.
Genome position (GRCh38, 1-based): chr17:31,233,094, G>A. VCF-style: chr17-31233094-G-A. GRCh37 (hg19) VCF-style: chr17-29560112-G-A.
Other names: c.3589G>A, p.Ala1197Thr (NM_000267.4); short protein forms A1197T.
Identifiers: ClinVar variation 1510325 (VCV001510325.9), dbSNP rs2151435523, ClinGen allele CA398990203.

ClinVar aggregate classification (germline): Conflicting classifications of pathogenicity. Review status: criteria provided, conflicting classifications (1 of 4 stars). 2 submissions from 2 submitters: Likely pathogenic (1); Uncertain significance (1). Last evaluated 2024-08-29.

Conditions:
Neurofibromatosis, type 1 (NF1). Also called: Neurofibromatosis, type I; Peripheral type neurofibromatosis; VON RECKLINGHAUSEN DISEASE; NEUROFIBROMATOSIS, TYPE I, SOMATIC. Identifiers: Orphanet 636, MedGen C0027831, MONDO:0018975, OMIM 162200. Disease mechanism: loss of function.

gnomAD v4.1: 1 of 1,614,186 alleles (0.000062%); highest among the groups gnomAD compares: Non-Finnish European, 0.000085%; no homozygotes.

Submissions (2):

Labcorp Genetics (formerly Invitae), Labcorp
Classification: Uncertain significance for Neurofibromatosis, type 1. Last evaluated: 2024-08-29. Review status: criteria provided, single submitter. Criteria: Invitae Variant Classification Sherloc (09022015). Collection method: clinical testing. Allele origin: germline.
Comment: This sequence change replaces alanine, which is neutral and non-polar, with threonine, which is neutral and polar, at codon 1197 of the NF1 protein (p.Ala1197Thr). This variant is not present in population databases (gnomAD no frequency). This variant has not been reported in the literature in individuals affected with NF1-related conditions. ClinVar contains an entry for this variant (Variation ID: 1510325). Invitae Evidence Modeling of protein sequence and biophysical properties (such as structural, functional, and spatial information, amino acid conservation, physicochemical variation, residue mobility, and thermodynamic stability) indicates that this missense variant is expected to disrupt NF1 protein function with a positive predictive value of 95%. In summary, the available evidence is currently insufficient to determine the role of this variant in disease. Therefore, it has been classified as a Variant of Uncertain Significance.

Medical Genetics, University of Parma
Classification: Likely pathogenic for Neurofibromatosis, type 1. Last evaluated: 2022-08-17. Review status: criteria provided, single submitter. Criteria: ACMG Guidelines, 2015. Collection method: clinical testing. Allele origin: germline. Inheritance: Autosomal dominant inheritance. Affected: yes.